The following is an entry in ClinVar:

ClinVar aggregate classification (germline): Conflicting classifications of pathogenicity. Review status: criteria provided, conflicting classifications (1 of 4 stars). 5 submissions from 5 submitters: Uncertain significance (2); Benign (2); Likely benign (1). Last evaluated 2026-02-12.

Conditions:
Aicardi-Goutieres syndrome 2. Identifiers: Orphanet 51, MedGen C3489724, MONDO:0012429, OMIM 610181.

Submissions (5):

Women's Health and Genetics/Laboratory Corporation of America, LabCorp
Classification: Uncertain significance. Last evaluated: 2026-02-12. Review status: criteria provided, single submitter. Criteria: LabCorp Variant Classification Summary - May 2015. Collection method: clinical testing. Allele origin: germline.
Comment: Variant summary: RNASEH2B c.925delA (p.Ile309LeufsX26) causes a frameshift which results in an extension of the protein. The variant allele was found at a frequency of 0.00062 in 1449858 control chromosomes. This frequency is not significantly higher than estimated for disease-causing variants in RNASEH2B, allowing no conclusion about variant significance. To our knowledge, no occurrence of c.925delA in individuals affected with RNASEH2B-related conditions and no experimental evidence demonstrating its impact on protein function have been reported. ClinVar contains an entry for this variant (Variation ID: 805274). Based on the evidence outlined above, the variant was classified as uncertain significance.

Labcorp Genetics (formerly Invitae), Labcorp
Classification: Benign for Aicardi-Goutieres syndrome 2. Last evaluated: 2025-12-28. Review status: criteria provided, single submitter. Criteria: Invitae Variant Classification Sherloc (09022015). Collection method: clinical testing. Allele origin: germline.

Blueprint Genetics
Classification: Likely benign. Last evaluated: 2024-07-31. Review status: criteria provided, single submitter. Criteria: ACMG Guidelines, 2015. Collection method: clinical testing. Allele origin: germline.

GeneDx
Classification: Uncertain significance. Last evaluated: 2021-06-09. Review status: criteria provided, single submitter. Criteria: GeneDx Variant Classification Process June 2021. Collection method: clinical testing. Allele origin: germline. Affected: yes.
Comment: Frameshift variant predicted to result in protein truncation as the last 4 amino acids are lost and replaced with 25 incorrect amino acids, although loss-of-function variants have not been reported downstream of this position in the protein; Has not been previously published as pathogenic or benign to our knowledge

Athena Diagnostics
Classification: Benign. Last evaluated: 2018-09-14. Review status: criteria provided, single submitter. Criteria: Athena Diagnostics Criteria. Collection method: clinical testing. Allele origin: germline.

NM_024570.4(RNASEH2B):c.925del (p.Ile309fs)

Gene: RNASEH2B (ribonuclease H2 subunit B; plus strand). Cytogenetic location: 13q14.3.
Variant type: Deletion.
Coding change: c.925del on transcript NM_024570.4 (MANE Select); coding-DNA position 925, one base deleted (A; older notation c.925delA).
Protein change: p.Ile309fs; shifts the reading frame from isoleucine 309.
Molecular consequence: frameshift variant. On other transcripts: intron variant (1).
Genome position (GRCh38, 1-based): chr13:50,956,460, A deleted; the last of 10 consecutive A bases (chr13:50,956,451-50,956,460); deleting any one gives the same sequence. VCF-style (leftmost placement, unchanged base first): chr13-50956450-TA-T. GRCh37 (hg19) VCF-style: chr13-51530586-TA-T.
Other names: c.925delA (NM_024570.4); c.741+6955del (NM_001142279.2); short protein forms I309fs.
Identifiers: ClinVar variation 805274 (VCV000805274.15), dbSNP rs75254367, ClinGen allele CA6985752.
Genomic context (GRCh38, chr13:50,956,450, plus strand): 5'-TTTGGCTAAAGTTGACAAGAGTGGAATGAAAAGTATTGATACCTTTTTTGGGGTAAAAAA[TA>T]AAAAAAAAATTGGAAAGGTTTGAAACTTTGAAAATAAAATCTAGCAAAAATATTTGCTTT-3'